The following is an entry in ClinVar:

ClinVar aggregate classification (germline): Uncertain significance. Review status: criteria provided, multiple submitters, no conflicts (2 of 4 stars). 2 submissions from 2 submitters: Uncertain significance (2). Last evaluated 2025-07-07.

Conditions:
Early-infantile DEE. Also called: Ohtahara syndrome; Early infantile epileptic encephalopathy with suppression bursts; Early infantile epileptic encephalopathy. Identifiers: Orphanet 1934, MedGen C0393706, MONDO:0800491.

Allele frequency attached by ClinVar (database versions not stated): ExAC 0.00002; TOPMed below 0.00001; gnomAD exomes below 0.00001.
gnomAD v4.1: 4 of 1,610,158 alleles (0.00025%); highest among the groups gnomAD compares: African/African-American, 0.0013%; no homozygotes.

Submissions (2):

GeneDx
Classification: Uncertain significance. Last evaluated: 2025-07-07. Review status: criteria provided, single submitter. Criteria: GeneDx Variant Classification Process June 2021. Collection method: clinical testing. Allele origin: germline. Affected: yes.
Comment: The c.3763 G>A variant was reported as an assumed de novo finding in a patient with Dravet syndrome (PMID: 38116874); In silico analysis supports that this missense variant has a deleterious effect on protein structure/function; Not observed at significant frequency in large population cohorts (gnomAD); This substitution is predicted to be within the transmembrane segment S2 of the third homologous domain; This variant is associated with the following publications: (PMID: 38116874)

Labcorp Genetics (formerly Invitae), Labcorp
Classification: Uncertain significance for Early-infantile DEE. Last evaluated: 2024-11-11. Review status: criteria provided, single submitter. Criteria: Invitae Variant Classification Sherloc (09022015). Collection method: clinical testing. Allele origin: germline.
Comment: This sequence change replaces alanine, which is neutral and non-polar, with threonine, which is neutral and polar, at codon 1255 of the SCN1A protein (p.Ala1255Thr). The frequency data for this variant in the population databases is considered unreliable, as metrics indicate poor data quality at this position in the gnomAD database. This variant has not been reported in the literature in individuals affected with SCN1A-related conditions. ClinVar contains an entry for this variant (Variation ID: 1955075). Invitae Evidence Modeling of protein sequence and biophysical properties (such as structural, functional, and spatial information, amino acid conservation, physicochemical variation, residue mobility, and thermodynamic stability) indicates that this missense variant is expected to disrupt SCN1A protein function with a positive predictive value of 95%. This variant disrupts the p.Ala1255 amino acid residue in SCN1A. Other variant(s) that disrupt this residue have been determined to be pathogenic (PMID: 18930999). This suggests that this residue is clinically significant, and that variants that disrupt this residue are likely to be disease-causing. In summary, the available evidence is currently insufficient to determine the role of this variant in disease. Therefore, it has been classified as a Variant of Uncertain Significance.

Literature cited by the submitters: PubMed 18930999 (cited by Labcorp Genetics (formerly Invitae), Labcorp).

NM_001165963.4(SCN1A):c.3763G>A (p.Ala1255Thr)

Genes: SCN1A (sodium voltage-gated channel alpha subunit 1; minus strand), LOC102724058 (uncharacterized LOC102724058; plus strand). Cytogenetic location: 2q24.3.
Variant type: single nucleotide variant.
Coding change: c.3763G>A on transcript NM_001165963.4 (MANE Select); coding-DNA position 3763, G replaced by A.
Protein change: p.Ala1255Thr; replaces alanine 1255 with threonine.
Molecular consequence: missense variant. On other transcripts: non-coding transcript variant (1).
Genome position (GRCh38, 1-based): chr2:166,012,225, C>T on the plus strand (G>A on the coding strand, the complement: SCN1A is on the minus strand). VCF-style: chr2-166012225-C-T. GRCh37 (hg19) VCF-style: chr2-166868735-C-T.
Other names: c.3679G>A, p.Ala1227Thr (NM_001165964.3, NM_001353957.2, NM_001353958.2); c.3763G>A, p.Ala1255Thr (NM_001202435.3, NM_001353948.2); c.3730G>A, p.Ala1244Thr (NM_001353949.2, NM_001353950.2, NM_001353951.2 and 2 more transcripts); c.3727G>A, p.Ala1243Thr (NM_001353954.2, NM_001353955.2); c.3676G>A, p.Ala1226Thr (NM_001353960.2); c.1321G>A, p.Ala441Thr (NM_001353961.2); c.3763G>A (NM_001165963.1); short protein forms A1226T, A1243T, A1244T, A1255T, A441T, A1227T.
Identifiers: ClinVar variation 1955075 (VCV001955075.6), dbSNP rs777939538, ClinGen allele CA1942887.
Genomic context (GRCh38, chr2:166,012,225, plus strand): 5'-CATATGCCACCCATTTTAGAAGCATTTCCAGAATGAAAATGTAAGTGAAAACCTTGTCAG[C>T]ATATTCCAACATCGTCTTAATCGTCTTTCGCTGATCAATATATATATCTTCAAATGCCTA-3'
Protein context (NP_001159435.1, residues 1245-1265): RKTIKTMLEY[Ala1255Thr]DKVFTYIFIL